The following is an entry in ClinVar:

NM_016180.5(SLC45A2):c.1566C>T (p.Val522=)

Gene: SLC45A2 (solute carrier family 45 member 2; minus strand). Cytogenetic location: 5p13.2.
Variant type: single nucleotide variant.
Coding change: c.1566C>T on transcript NM_016180.5 (MANE Select); coding-DNA position 1566, C replaced by T.
Protein change: p.Val522=; no amino-acid change (valine 522 retained).
Molecular consequence: synonymous variant.
Genome position (GRCh38, 1-based): chr5:33,944,675, G>A on the plus strand (C>T on the coding strand, the complement: SLC45A2 is on the minus strand). VCF-style: chr5-33944675-G-A. GRCh37 (hg19) VCF-style: chr5-33944780-G-A.
Other names: c.1566C>T (NM_016180.4).
Identifiers: ClinVar variation 1672827 (VCV001672827.9), dbSNP rs762123246, ClinGen allele CA443658744.

ClinVar aggregate classification (germline): Likely benign. Review status: criteria provided, multiple submitters, no conflicts (2 of 4 stars). 2 submissions from 2 submitters: Likely benign (2). Last evaluated 2026-07-21.

Conditions:
SLC45A2-related disorder. Also called: SLC45A2-related condition.

Allele frequency attached by ClinVar (database versions not stated): TOPMed 0.00001; gnomAD 0.00002.

Submissions (2):

PreventionGenetics, part of Exact Sciences
Classification: Likely benign for SLC45A2-related condition. Last evaluated: 2026-07-21. Review status: criteria provided, single submitter. Criteria: ACMG Guidelines, 2015. Collection method: clinical testing. Allele origin: germline.
Comment: This variant is classified as likely benign based on ACMG/AMP sequence variant interpretation guidelines (Richards et al. 2015 PMID: 25741868, with internal and published modifications).

Labcorp Genetics (formerly Invitae), Labcorp
Classification: Likely benign. Last evaluated: 2025-10-18. Review status: criteria provided, single submitter. Criteria: Invitae Variant Classification Sherloc (09022015). Collection method: clinical testing. Allele origin: germline.